The following is an entry in ClinVar:

NM_030665.4(RAI1):c.2518G>A (p.Asp840Asn)

Gene: RAI1 (retinoic acid induced 1; plus strand). Cytogenetic location: 17p11.2.
Variant type: single nucleotide variant.
Coding change: c.2518G>A on transcript NM_030665.4 (MANE Select); coding-DNA position 2518, G replaced by A.
Protein change: p.Asp840Asn; replaces aspartic acid 840 with asparagine.
Molecular consequence: missense variant.
Genome position (GRCh38, 1-based): chr17:17,795,466, G>A. VCF-style: chr17-17795466-G-A. GRCh37 (hg19) VCF-style: chr17-17698780-G-A.
Other names: short protein forms D840N.
Identifiers: ClinVar variation 3777633 (VCV003777633.1).

ClinVar aggregate classification (germline): Uncertain significance (1 of 4 stars; one submission).

Submission:

GeneDx
Classification: Uncertain significance. Last evaluated: 2024-10-08. Review status: criteria provided, single submitter. Criteria: GeneDx Variant Classification Process June 2021. Collection method: clinical testing. Allele origin: germline. Affected: yes.
Comment: Not observed at significant frequency in large population cohorts (gnomAD); In silico analysis supports that this missense variant has a deleterious effect on protein structure/function; Has not been previously published as pathogenic or benign to our knowledge